The following is an entry in ClinVar:

NM_022124.6(CDH23):c.1420del (p.Thr474fs)

Gene: CDH23 (cadherin related 23; plus strand). Cytogenetic location: 10q22.1.
Variant type: Deletion.
Coding change: c.1420del on transcript NM_022124.6 (MANE Select); coding-DNA position 1420, one base deleted (A; older notation c.1420delA).
Protein change: p.Thr474fs; shifts the reading frame from threonine 474.
Molecular consequence: frameshift variant.
Genome position (GRCh38, 1-based): chr10:71,646,588, A deleted. VCF-style (leftmost placement, unchanged base first): chr10-71646587-CA-C. GRCh37 (hg19) VCF-style: chr10-73406344-CA-C.
Other names: c.1420del, p.Thr474fs (NM_001171930.2, NM_001171931.2, NM_052836.4); short protein forms T474fs.
Identifiers: ClinVar variation 2065494 (VCV002065494.4), dbSNP rs2493821002, ClinGen allele CA2580081814.

ClinVar aggregate classification (germline): Pathogenic (1 of 4 stars; one submission).

Submission:

Labcorp Genetics (formerly Invitae), Labcorp
Classification: Pathogenic. Last evaluated: 2024-10-24. Review status: criteria provided, single submitter. Criteria: Invitae Variant Classification Sherloc (09022015). Collection method: clinical testing. Allele origin: germline.
Comment: This sequence change creates a premature translational stop signal (p.Thr474Profs*7) in the CDH23 gene. It is expected to result in an absent or disrupted protein product. Loss-of-function variants in CDH23 are known to be pathogenic (PMID: 11138009, 21940737). This variant is not present in population databases (gnomAD no frequency). This variant has not been reported in the literature in individuals affected with CDH23-related conditions. ClinVar contains an entry for this variant (Variation ID: 2065494). For these reasons, this variant has been classified as Pathogenic.

Literature cited by the submitters: PubMed 11138009; PubMed 21940737.